The following is an entry in ClinVar:

ClinVar aggregate classification (germline): Benign. Review status: criteria provided, multiple submitters, no conflicts (2 of 4 stars). 13 submissions from 13 submitters: Benign (9). 4 of the submissions do not count toward it. Last evaluated 2026-02-04.

Conditions:
Hereditary spastic paraplegia. Also called: Familial spastic paraparesis. Identifiers: Orphanet 685, MedGen C0037773, MONDO:0019064. Disease mechanism: loss of function.
Hereditary spastic paraplegia 6 (SPG6). Also called: SPASTIC PARAPLEGIA 6, AUTOSOMAL DOMINANT. Identifiers: Orphanet 100988, MedGen C1838192, MONDO:0010878, OMIM 600363.

Allele frequency attached by ClinVar (database versions not stated): ESP Exome Variant Server 0.65370; gnomAD 0.65973 and 0.67002; TOPMed 0.67540; 1000 Genomes Project 0.70407; 1000 Genomes Project 30x 0.70409; ExAC 0.73589; gnomAD exomes 0.74492.
gnomAD v4.1: 1,173,338 of 1,611,202 alleles (73%); highest among the groups gnomAD compares: South Asian, 85%; 431,836 homozygotes.

Submissions (13):

Labcorp Genetics (formerly Invitae), Labcorp
Classification: Benign for Hereditary spastic paraplegia 6. Last evaluated: 2026-02-04. Review status: criteria provided, single submitter. Criteria: Invitae Variant Classification Sherloc (09022015). Collection method: clinical testing. Allele origin: germline.

Blueprint Genetics
Classification: Benign. Last evaluated: 2024-11-27. Review status: criteria provided, single submitter. Criteria: ACMG Guidelines, 2015. Collection method: clinical testing. Allele origin: germline.

Athena Diagnostics
Classification: Benign. Last evaluated: 2023-12-05. Review status: criteria provided, single submitter. Criteria: Athena Diagnostics Criteria. Collection method: clinical testing. Allele origin: unknown.

Genome-Nilou Lab
Classification: Benign for Hereditary spastic paraplegia 6. Last evaluated: 2021-09-05. Review status: criteria provided, single submitter. Criteria: ACMG Guidelines, 2015. Collection method: clinical testing. Allele origin: germline. Affected: no.

Illumina Laboratory Services, Illumina
Classification: Benign for Hereditary spastic paraplegia 6. Last evaluated: 2018-01-13. Review status: criteria provided, single submitter. Criteria: ICSL Variant Classification Criteria 13 December 2019. Collection method: clinical testing. Allele origin: germline.
Comment: This variant was observed in the ICSL laboratory as part of a predisposition screen in an ostensibly healthy population. It had not been previously curated by ICSL or reported in the Human Gene Mutation Database (HGMD: prior to June 1st, 2018), and was therefore a candidate for classification through an automated scoring system. Utilizing variant allele frequency, disease prevalence and penetrance estimates, and inheritance mode, an automated score was calculated to assess if this variant is too frequent to cause the disease. Based on the score and internal cut-off values, a variant classified as benign is not then subjected to further curation. The score for this variant resulted in a classification of benign for this disease.

Genome Diagnostics Laboratory, The Hospital for Sick Children
Classification: Benign for Hereditary spastic paraplegia. Last evaluated: 2016-12-12. Review status: criteria provided, single submitter. Criteria: ACMG Guidelines, 2015. Collection method: clinical testing. Allele origin: germline. Affected: yes.

GeneDx
Classification: Benign. Last evaluated: 2016-01-21. Review status: criteria provided, single submitter. Criteria: GeneDx Variant Classification (06012015). Collection method: clinical testing. Allele origin: germline. Affected: yes.
Comment: This variant is considered likely benign or benign based on one or more of the following criteria: it is a conservative change, it occurs at a poorly conserved position in the protein, it is predicted to be benign by multiple in silico algorithms, and/or has population frequency not consistent with disease.

Mayo Clinic Laboratories, Mayo Clinic
Classification: Benign. Last evaluated: 2015-08-27. Review status: criteria provided, single submitter. Criteria: ACMG Guidelines, 2015. Collection method: clinical testing. Allele origin: germline. Observed: 1,602 variant alleles.

Breakthrough Genomics
Classification: Benign. Review status: criteria provided, single submitter. Criteria: ACMG Guidelines, 2015. Collection method: not provided. Allele origin: germline. Inheritance: Autosomal dominant inheritance. Affected: yes.

Clinical Genetics, Academic Medical Center
Classification: Benign. Review status: no assertion criteria provided. Collection method: clinical testing. Allele origin: germline. Affected: yes. Study: VKGL Data-share Consensus. Not counted in ClinVar's aggregate classification.

Diagnostic Laboratory, Department of Genetics, University Medical Center Groningen
Classification: Benign for Hereditary spastic paraplegia 6. Review status: no assertion criteria provided. Collection method: clinical testing. Allele origin: germline. Affected: yes. Study: VKGL Data-share Consensus. Not counted in ClinVar's aggregate classification.

Genetic Services Laboratory, University of Chicago
Classification: Likely benign for AllHighlyPenetrant. Review status: no assertion criteria provided. Collection method: clinical testing. Allele origin: germline. Inheritance: Autosomal dominant inheritance. Not counted in ClinVar's aggregate classification.
Comment: Likely benign based on allele frequency in 1000 Genomes Project or ESP global frequency and its presence in a patient with a rare or unrelated disease phenotype. NOT Sanger confirmed.

Joint Genome Diagnostic Labs from Nijmegen and Maastricht, Radboudumc and MUMC+
Classification: Benign. Review status: no assertion criteria provided. Collection method: clinical testing. Allele origin: germline. Affected: yes. Study: VKGL Data-share Consensus. Not counted in ClinVar's aggregate classification.

NM_144599.5(NIPA1):c.441A>G (p.Thr147=)

Gene: NIPA1 (NIPA magnesium transporter 1; plus strand). Cytogenetic location: 15q11.2.
Variant type: single nucleotide variant.
Coding change: c.441A>G on transcript NM_144599.5 (MANE Select); coding-DNA position 441, A replaced by G.
Protein change: p.Thr147=; no amino-acid change (threonine 147 retained).
Molecular consequence: synonymous variant.
Genome position (GRCh38, 1-based): chr15:22,820,436, A>G. VCF-style: chr15-22820436-A-G. GRCh37 (hg19) VCF-style: chr15-23052632-T-C.
Other names: p.Thr147=; c.216A>G, p.Thr72= (NM_001142275.1).
Identifiers: ClinVar variation 129804 (VCV000129804.31), dbSNP rs11263683, ClinGen allele CA154122.
Genomic context (GRCh38, chr15:22,820,436, plus strand): 5'-GCTAAGCTGTGCAGGCTCCGTCGTGCTGATTATCCACTCCCCAAAGTCTGAGAGTGTGAC[A>G]ACTCAGGCTGAGCTGGAGGAAAAGCTGACCAATCCAGGTAATTCCTTTCTAGCAGCACTG-3'
Protein context (NP_653200.2, residues 137-157): IIHSPKSESV[Thr147=]TQAELEEKLT